The following is an entry in ClinVar:

NM_007103.4(NDUFV1):c.116A>G (p.Asp39Gly)

Gene: NDUFV1 (NADH:ubiquinone oxidoreductase core subunit V1; plus strand). Cytogenetic location: 11q13.2.
Variant type: single nucleotide variant.
Coding change: c.116A>G on transcript NM_007103.4 (MANE Select); coding-DNA position 116, A replaced by G.
Protein change: p.Asp39Gly; replaces aspartic acid 39 with glycine.
Molecular consequence: missense variant.
Genome position (GRCh38, 1-based): chr11:67,608,439, A>G. VCF-style: chr11-67608439-A-G. GRCh37 (hg19) VCF-style: chr11-67375910-A-G.
Other names: p.D39G:GAC>GGC; c.89A>G, p.Asp30Gly (NM_001166102.2); short protein forms D39G, D30G.
Identifiers: ClinVar variation 214848 (VCV000214848.4), dbSNP rs863224116, ClinGen allele CA325136.
Genomic context (GRCh38, chr11:67,608,439, plus strand): 5'-ACCCTTTGTCTCCCTAGACAGCACCCAAGAAAACCTCATTTGGCTCGCTGAAGGATGAAG[A>G]CCGGATTTTCACCAACCTGTACGGCCGCCATGACTGGAGGTGAGACAGTGCCCTTAGTGT-3'
Protein context (NP_009034.2, residues 29-49): KTSFGSLKDE[Asp39Gly]RIFTNLYGRH

ClinVar aggregate classification (germline): Likely pathogenic (1 of 4 stars; one submission).

Allele frequency attached by ClinVar (database versions not stated): gnomAD exomes 0.00001.
gnomAD v4.1: 11 of 1,614,080 alleles (0.00068%); highest among the groups gnomAD compares: Non-Finnish European, 0.00085%; no homozygotes.

Submission:

GeneDx
Classification: Likely pathogenic. Last evaluated: 2026-01-15. Review status: criteria provided, single submitter. Criteria: GeneDx Variant Classification Process June 2021. Collection method: clinical testing. Allele origin: germline. Affected: yes.
Comment: Not observed at significant frequency in large population cohorts (gnomAD); In silico analysis supports that this missense variant has a deleterious effect on protein structure/function; Has not been previously reported as pathogenic or benign in association with NDUFV1-related disorders to our knowledge; This variant is associated with the following publications: (PMID: Nahar2021[article])